The following is an entry in ClinVar:

NM_006432.5(NPC2):c.279dup (p.Lys94Ter)

Gene: NPC2 (NPC intracellular cholesterol transporter 2; minus strand). Cytogenetic location: 14q24.3.
Variant type: Duplication.
Coding change: c.279dup on transcript NM_006432.5 (MANE Select); coding-DNA position 279, one base duplicated (T; older notation c.279dupT).
Protein change: p.Lys94Ter; replaces lysine 94 with a stop codon.
Molecular consequence: nonsense.
Genome position (GRCh38, 1-based): chr14:74,484,499, A duplicated on the plus strand (T on the coding strand, the reverse complement: NPC2 is on the minus strand). VCF-style (leftmost placement, unchanged base first): chr14-74484498-T-TA. GRCh37 (hg19) VCF-style: chr14-74951201-T-TA.
Other names: c.279dup, p.Lys94Ter (NM_001363688.1, NM_001375440.1); c.279dupT (NM_006432.3); short protein forms K94*.
Identifiers: ClinVar variation 1075176 (VCV001075176.11), dbSNP rs1376058648, ClinGen allele CA615195087.

ClinVar aggregate classification (germline): Pathogenic/Likely pathogenic. Review status: criteria provided, multiple submitters, no conflicts (2 of 4 stars). 4 submissions from 4 submitters: Pathogenic (1); Likely pathogenic (3). Last evaluated 2025-07-24.

Conditions:
Niemann-Pick disease, type C (NPC). Identifiers: Orphanet 646, MedGen C0220756, MONDO:0018982.
NPC2-related disorder. Also called: NPC2-related condition.
Niemann-Pick disease, type C2 (NPC2). Identifiers: Orphanet 646, MedGen C1843366, MONDO:0011873, OMIM 607625.

Allele frequency attached by ClinVar (database versions not stated): gnomAD 0.00001.

Submissions (4):

PreventionGenetics, part of Exact Sciences
Classification: Likely pathogenic for NPC2-related condition. Last evaluated: 2025-07-24. Review status: criteria provided, single submitter. Criteria: ACMG Guidelines, 2015. Collection method: clinical testing. Allele origin: germline.
Comment: The NPC2 c.279dupT variant is predicted to result in premature protein termination (p.Lys94*). To our knowledge, this variant has not been reported in any affected individuals in the literature. This variant is reported in 0.011% of alleles in individuals of African descent in gnomAD. Nonsense variants in NPC2 are expected to be pathogenic. This variant is interpreted as likely pathogenic.

Fulgent Genetics
Classification: Likely pathogenic for Niemann-Pick disease, type C2. Last evaluated: 2023-12-28. Review status: criteria provided, single submitter. Criteria: ACMG Guidelines, 2015. Collection method: clinical testing. Allele origin: germline.

Women's Health and Genetics/Laboratory Corporation of America, LabCorp
Classification: Likely pathogenic for Niemann-Pick disease, type C. Last evaluated: 2023-01-16. Review status: criteria provided, single submitter. Criteria: LabCorp Variant Classification Summary - May 2015. Collection method: clinical testing. Allele origin: germline.
Comment: Variant summary: NPC2 c.279dupT (p.Lys94X) results in a premature termination codon, predicted to cause a truncation of the encoded protein or absence of the protein due to nonsense mediated decay, which are commonly known mechanisms for disease. Truncations downstream of this position have been classified as pathogenic by our laboratory. The variant allele was found at a frequency of 6.6e-06 in 150848 control chromosomes (gnomAD v3.1.2). To our knowledge, no occurrence of c.279dupT in individuals affected with Niemann-Pick Disease Type C and no experimental evidence demonstrating its impact on protein function have been reported. One ClinVar submitter has assessed the variant since 2014: the variant was classified as pathogenic. Based on the evidence outlined above, the variant was classified as likely pathogenic.

Labcorp Genetics (formerly Invitae), Labcorp
Classification: Pathogenic for Niemann-Pick disease, type C2. Last evaluated: 2022-08-23. Review status: criteria provided, single submitter. Criteria: Invitae Variant Classification Sherloc (09022015). Collection method: clinical testing. Allele origin: germline.
Comment: This sequence change creates a premature translational stop signal (p.Lys94*) in the NPC2 gene. It is expected to result in an absent or disrupted protein product. Loss-of-function variants in NPC2 are known to be pathogenic (PMID: 25145893). This variant is present in population databases (no rsID available, gnomAD 0.01%). This variant has not been reported in the literature in individuals affected with NPC2-related conditions. ClinVar contains an entry for this variant (Variation ID: 1075176). For these reasons, this variant has been classified as Pathogenic.

Literature cited by the submitters: PubMed 25145893 (cited by Labcorp Genetics (formerly Invitae), Labcorp).